The following is an entry in ClinVar:

ClinVar aggregate classification (germline): Pathogenic (1 of 4 stars; one submission).

Submissions (3):

Labcorp Genetics (formerly Invitae), Labcorp
Classification: Pathogenic. Last evaluated: 2025-05-19. Review status: criteria provided, single submitter. Criteria: Invitae Variant Classification Sherloc (09022015). Collection method: clinical testing. Allele origin: germline.
Comment: This sequence change creates a premature translational stop signal (p.Arg368*) in the NDUFS2 gene. It is expected to result in an absent or disrupted protein product. Loss-of-function variants in NDUFS2 are known to be pathogenic (PMID: 20818383, 31411514). This variant is present in population databases (rs534026057, gnomAD 0.03%). This variant has not been reported in the literature in individuals affected with NDUFS2-related conditions. Algorithms developed to predict the effect of sequence changes on RNA splicing suggest that this variant may disrupt the consensus splice site. For these reasons, this variant has been classified as Pathogenic.

Dr. Peter K. Rogan Lab, Western University
No classification provided (evidence only). Condition: Glioma susceptibility 1. Review status: no classification provided. Collection method: in vitro. Allele origin: not applicable. Functional consequence: cryptic splice site. Not counted in ClinVar's aggregate classification.

Dr. Peter K. Rogan Lab, Western University
No classification provided (evidence only). Condition: Gastric cancer. Review status: no classification provided. Collection method: in vitro. Allele origin: not applicable. Functional consequence: retained intron. Not counted in ClinVar's aggregate classification.

Literature cited by the submitters: PubMed 20818383 (cited by Labcorp Genetics (formerly Invitae), Labcorp); PubMed 31411514 (cited by Labcorp Genetics (formerly Invitae), Labcorp).

NM_001377299.1(NDUFS2):c.1102C>T (p.Arg368Ter)

Gene: NDUFS2 (NADH:ubiquinone oxidoreductase core subunit S2; plus strand). Cytogenetic location: 1q23.3.
Variant type: single nucleotide variant.
Coding change: c.1102C>T on transcript NM_001377299.1 (MANE Select); coding-DNA position 1102, C replaced by T.
Protein change: p.Arg368Ter; replaces arginine 368 with a stop codon.
Molecular consequence: nonsense.
Genome position (GRCh38, 1-based): chr1:161,212,466, C>T. VCF-style: chr1-161212466-C-T. GRCh37 (hg19) VCF-style: chr1-161182256-C-T.
Other names: NC_000001.10:g.161182256C>T; c.1102C>T, p.Arg368Ter (NM_001377302.1, NM_004550.5, NM_001166159.2 and 3 more transcripts); c.1024C>T, p.Arg342Ter (NM_001410889.1); short protein forms R342*, R368*.
Identifiers: ClinVar variation 4312718 (VCV004312718.2).